The following is an entry in ClinVar:

ClinVar aggregate classification (germline): Pathogenic (1 of 4 stars; one submission).

Conditions:
Familial cancer of breast. Also called: BREAST CANCER, FAMILIAL; Hereditary breast cancer; hereditary breast carcinoma. Identifiers: Orphanet 227535, MedGen C0346153, MONDO:0016419, OMIM 114480. Disease mechanism: loss of function.

Submission:

Labcorp Genetics (formerly Invitae), Labcorp
Classification: Pathogenic for Familial cancer of breast. Last evaluated: 2022-03-11. Review status: criteria provided, single submitter. Criteria: Invitae Variant Classification Sherloc (09022015). Collection method: clinical testing. Allele origin: germline.
Comment: This variant is a gross deletion of the genomic region encompassing exon(s) 7-10 of the PALB2 gene. This deletion is out-of-frame, and is expected to create a premature termination codon and result in an absent or disrupted protein product. Loss-of-function variants in PALB2 are known to be pathogenic (PMID: 17200668, 17200671, 17200672, 24136930, 25099575). For these reasons, this variant has been classified as Pathogenic. This variant has not been reported in the literature in individuals affected with PALB2-related conditions.

Literature cited by the submitters: PubMed 17200668; PubMed 17200671; PubMed 17200672; PubMed 24136930; PubMed 25099575.

NC_000016.10:g.(?_23621352)_(23626407_?)del

Gene: PALB2 (partner and localizer of BRCA2; minus strand). Cytogenetic location: 16p12.2.
Variant type: Deletion.
Identifiers: ClinVar variation 830829 (VCV000830829.9).